The following is an entry in ClinVar:

NM_000057.4(BLM):c.1506T>G (p.Ser502Arg)

Gene: BLM (BLM RecQ like helicase; plus strand). Cytogenetic location: 15q26.1.
Variant type: single nucleotide variant.
Coding change: c.1506T>G on transcript NM_000057.4 (MANE Select); coding-DNA position 1506, T replaced by G.
Protein change: p.Ser502Arg; replaces serine 502 with arginine.
Molecular consequence: missense variant.
Genome position (GRCh38, 1-based): chr15:90,760,879, T>G. VCF-style: chr15-90760879-T-G. GRCh37 (hg19) VCF-style: chr15-91304109-T-G.
Other names: c.1506T>G, p.Ser502Arg (NM_001287246.2, NM_001287247.2); c.381T>G, p.Ser127Arg (NM_001287248.2); short protein forms S127R, S502R.
Identifiers: ClinVar variation 4211774 (VCV004211774.1).

ClinVar aggregate classification (germline): Uncertain significance (1 of 4 stars; one submission).

Conditions:
Hereditary cancer-predisposing syndrome. Also called: Neoplastic Syndromes, Hereditary; Tumor predisposition; Hereditary Cancer Syndrome; Hereditary neoplastic syndrome. Identifiers: Orphanet 140162, MedGen C0027672, MeSH D009386, MONDO:0015356.

gnomAD v4.1: 2 of 1,613,996 alleles (0.00012%); highest among the groups gnomAD compares: South Asian, 0.0022%; no homozygotes.

Submission:

Ambry Genetics
Classification: Uncertain significance for Hereditary cancer-predisposing syndrome. Last evaluated: 2025-07-16. Review status: criteria provided, single submitter. Criteria: Ambry Variant Classification Scheme 2023. Collection method: clinical testing. Allele origin: germline.
Comment: The p.S502R variant (also known as c.1506T>G), located in coding exon 6 of the BLM gene, results from a T to G substitution at nucleotide position 1506. The serine at codon 502 is replaced by arginine, an amino acid with dissimilar properties. This amino acid position is conserved. In addition, this alteration is predicted to be tolerated by in silico analysis. Based on the available evidence, the clinical significance of this variant remains unclear.